The following is an entry in ClinVar:

NM_001286577.2(C2CD3):c.5156-8C>T

Gene: C2CD3 (C2 domain containing 3 centriole elongation regulator; minus strand). Cytogenetic location: 11q13.4.
Variant type: single nucleotide variant.
Coding change: c.5156-8C>T on transcript NM_001286577.2 (MANE Select); 8 bases into the intron before coding-DNA position 5156, C replaced by T.
Molecular consequence: intron variant.
Genome position (GRCh38, 1-based): chr11:74,049,550, G>A on the plus strand (C>T on the coding strand, the complement: C2CD3 is on the minus strand). VCF-style: chr11-74049550-G-A. GRCh37 (hg19) VCF-style: chr11-73760595-G-A.
Other names: c.5156-8C>T (NM_015531.6).
Identifiers: ClinVar variation 3352020 (VCV003352020.1).

ClinVar aggregate classification (germline): Likely benign (0 of 4 stars; one submission).

Conditions:
C2CD3-related disorder. Also called: C2CD3-related condition.

gnomAD v4.1: 30 of 1,609,958 alleles (0.0019%); highest among the groups gnomAD compares: South Asian, 0.033%; no homozygotes.

Submission:

PreventionGenetics, part of Exact Sciences
Classification: Likely benign for C2CD3-related condition. Last evaluated: 2024-08-12. Review status: no assertion criteria provided. Collection method: clinical testing. Allele origin: germline.
Comment: This variant is classified as likely benign based on ACMG/AMP sequence variant interpretation guidelines (Richards et al. 2015 PMID: 25741868, with internal and published modifications).